The following is an entry in ClinVar:

NM_004990.4(MARS1):c.1567A>G (p.Ile523Val)

Gene: MARS1 (methionyl-tRNA synthetase 1; plus strand). Cytogenetic location: 12q13.3.
Variant type: single nucleotide variant.
Coding change: c.1567A>G on transcript NM_004990.4 (MANE Select); coding-DNA position 1567, A replaced by G.
Protein change: p.Ile523Val; replaces isoleucine 523 with valine.
Molecular consequence: missense variant.
Genome position (GRCh38, 1-based): chr12:57,512,035, A>G. VCF-style: chr12-57512035-A-G. GRCh37 (hg19) VCF-style: chr12-57905818-A-G.
Other names: short protein forms I523V.
Identifiers: ClinVar variation 1681745 (VCV001681745.11), dbSNP rs759198038, ClinGen allele CA6650551.
Genomic context (GRCh38, chr12:57,512,035, plus strand): 5'-TCCCTAACATGTTTACCTCCTTCTGACCTCCAGGTATTCTATGTCTGGTTTGATGCCACT[A>G]TTGGCTATCTGTCCATCACAGCCAACTACACAGACCAGTGGGAGAGATGGTGGAAGAACC-3'
Protein context (NP_004981.2, residues 513-533): KVFYVWFDAT[Ile523Val]GYLSITANYT

ClinVar aggregate classification (germline): Uncertain significance. Review status: criteria provided, multiple submitters, no conflicts (2 of 4 stars). 2 submissions from 2 submitters: Uncertain significance (2). Last evaluated 2024-12-31.

Conditions:
Severe early-onset pulmonary alveolar proteinosis due to MARS deficiency. Also called: PULMONARY ALVEOLAR PROTEINOSIS, REUNION ISLAND; Interstitial lung and liver disease. Identifiers: Orphanet 440427, MedGen C4225400, MONDO:0014206, OMIM 615486.
Charcot-Marie-Tooth disease axonal type 2U. Also called: CHARCOT-MARIE-TOOTH NEUROPATHY, TYPE 2U; CHARCOT-MARIE-TOOTH DISEASE, AXONAL, AUTOSOMAL DOMINANT, TYPE 2U. Identifiers: Orphanet 397735, MedGen C4084821, MONDO:0014566, OMIM 616280.

Allele frequency attached by ClinVar (database versions not stated): ExAC 0.00001; gnomAD exomes 0.00001 and 0.00002; TOPMed 0.00004; gnomAD 0.00005; 1000 Genomes Project 30x 0.00031.
gnomAD v4.1: 21 of 1,614,072 alleles (0.0013%); highest among the groups gnomAD compares: African/African-American, 0.021%; no homozygotes.

Submissions (2):

Ambry Genetics
Classification: Uncertain significance. Last evaluated: 2024-12-31. Review status: criteria provided, single submitter. Criteria: Ambry Variant Classification Scheme 2023. Collection method: clinical testing. Allele origin: germline.

Labcorp Genetics (formerly Invitae), Labcorp
Classification: Uncertain significance for Charcot-Marie-Tooth disease axonal type 2U; Severe early-onset pulmonary alveolar proteinosis due to MARS deficiency. Last evaluated: 2024-07-30. Review status: criteria provided, single submitter. Criteria: Invitae Variant Classification Sherloc (09022015). Collection method: clinical testing. Allele origin: germline.
Comment: This sequence change replaces isoleucine, which is neutral and non-polar, with valine, which is neutral and non-polar, at codon 523 of the MARS protein (p.Ile523Val). This variant is present in population databases (rs759198038, gnomAD 0.004%). This variant has not been reported in the literature in individuals affected with MARS-related conditions. ClinVar contains an entry for this variant (Variation ID: 1681745). An algorithm developed to predict the effect of missense changes on protein structure and function (PolyPhen-2) suggests that this variant is likely to be disruptive. In summary, the available evidence is currently insufficient to determine the role of this variant in disease. Therefore, it has been classified as a Variant of Uncertain Significance.